The following is an entry in ClinVar:

ClinVar aggregate classification (germline): Uncertain significance (1 of 4 stars; one submission).

Submission:

GeneDx
Classification: Uncertain significance. Last evaluated: 2023-01-20. Review status: criteria provided, single submitter. Criteria: GeneDx Variant Classification Process June 2021. Collection method: clinical testing. Allele origin: germline. Affected: yes.
Comment: Not observed at significant frequency in large population cohorts (gnomAD); In silico analysis supports that this missense variant does not alter protein structure/function; Has not been previously published as pathogenic or benign to our knowledge; Variants in candidate genes are classified as variants of uncertain significance in accordance with ACMG guidelines (Richards et al., 2015)

NM_017763.6(RNF43):c.1052A>G (p.Tyr351Cys)

Gene: RNF43 (ring finger protein 43; minus strand). Cytogenetic location: 17q22.
Variant type: single nucleotide variant.
Coding change: c.1052A>G on transcript NM_017763.6 (MANE Select); coding-DNA position 1052, A replaced by G.
Protein change: p.Tyr351Cys; replaces tyrosine 351 with cysteine.
Molecular consequence: missense variant.
Genome position (GRCh38, 1-based): chr17:58,358,724, T>C on the plus strand (A>G on the coding strand, the complement: RNF43 is on the minus strand). VCF-style: chr17-58358724-T-C. GRCh37 (hg19) VCF-style: chr17-56436085-T-C.
Other names: c.1052A>G, p.Tyr351Cys (NM_001305544.3); c.671A>G, p.Tyr224Cys (NM_001305545.2); short protein forms Y224C, Y351C.
Identifiers: ClinVar variation 3342801 (VCV003342801.1).